The following is an entry in ClinVar:

ClinVar aggregate classification (germline): Uncertain significance (1 of 4 stars; one submission).

gnomAD v4.1: 1 of 1,614,086 alleles (0.000062%); highest among the groups gnomAD compares: Non-Finnish European, 0.000085%; no homozygotes.

Submission:

Mayo Clinic Laboratories, Mayo Clinic
Classification: Uncertain significance. Last evaluated: 2025-05-11. Review status: criteria provided, single submitter. Criteria: ACMG Guidelines, 2015. Collection method: clinical testing. Allele origin: germline. Observed: 1 variant allele.
Comment: BP4, PM2_supporting

NM_005559.4(LAMA1):c.881A>G (p.His294Arg)

Gene: LAMA1 (laminin subunit alpha 1; minus strand). Cytogenetic location: 18p11.31.
Variant type: single nucleotide variant.
Coding change: c.881A>G on transcript NM_005559.4 (MANE Select); coding-DNA position 881, A replaced by G.
Protein change: p.His294Arg; replaces histidine 294 with arginine.
Molecular consequence: missense variant.
Genome position (GRCh38, 1-based): chr18:7,044,817, T>C on the plus strand (A>G on the coding strand, the complement: LAMA1 is on the minus strand). VCF-style: chr18-7044817-T-C. GRCh37 (hg19) VCF-style: chr18-7044816-T-C.
Other names: p.His294Arg; short protein forms H294R.
Identifiers: ClinVar variation 4542247 (VCV004542247.1).